The following is an entry in ClinVar:

NM_017934.7(PHIP):c.2998-5C>T

Genes: IRAK1BP1 (interleukin 1 receptor associated kinase 1 binding protein 1; plus strand), PHIP (PHIP subunit of CUL4-Ring ligase complex; minus strand). Cytogenetic location: 6q14.1.
Variant type: single nucleotide variant.
Coding change: c.2998-5C>T on transcript NM_017934.7 (MANE Select); 5 bases into the intron before coding-DNA position 2998, C replaced by T.
Molecular consequence: intron variant.
Genome position (GRCh38, 1-based): chr6:78,970,178, G>A on the plus strand (C>T on the coding strand, the complement: PHIP is on the minus strand). VCF-style: chr6-78970178-G-A. GRCh37 (hg19) VCF-style: chr6-79679895-G-A.
Identifiers: ClinVar variation 2815967 (VCV002815967.3), dbSNP rs1267543419, ClinGen allele CA568599144.

ClinVar aggregate classification (germline): Uncertain significance (1 of 4 stars; one submission).

Allele frequency attached by ClinVar (database versions not stated): gnomAD exomes below 0.00001.
gnomAD v4.1: 4 of 1,608,396 alleles (0.00025%); highest among the groups gnomAD compares: South Asian, 0.0011%; no homozygotes.

Submission:

Labcorp Genetics (formerly Invitae), Labcorp
Classification: Uncertain significance. Last evaluated: 2022-11-23. Review status: criteria provided, single submitter. Criteria: Invitae Variant Classification Sherloc (09022015). Collection method: clinical testing. Allele origin: germline.
Comment: In summary, the available evidence is currently insufficient to determine the role of this variant in disease. Therefore, it has been classified as a Variant of Uncertain Significance. This sequence change falls in intron 25 of the PHIP gene. It does not directly change the encoded amino acid sequence of the PHIP protein. This variant is present in population databases (no rsID available, gnomAD 0.003%). This variant has not been reported in the literature in individuals affected with PHIP-related conditions. Algorithms developed to predict the effect of sequence changes on RNA splicing suggest that this variant may create or strengthen a splice site.